The following is an entry in ClinVar:

NM_001103.4(ACTN2):c.2063A>G (p.Tyr688Cys)

Gene: ACTN2 (actinin alpha 2; plus strand). Cytogenetic location: 1q43.
Variant type: single nucleotide variant.
Coding change: c.2063A>G on transcript NM_001103.4 (MANE Select); coding-DNA position 2063, A replaced by G.
Protein change: p.Tyr688Cys; replaces tyrosine 688 with cysteine.
Molecular consequence: missense variant.
Genome position (GRCh38, 1-based): chr1:236,755,107, A>G. VCF-style: chr1-236755107-A-G. GRCh37 (hg19) VCF-style: chr1-236918407-A-G.
Other names: c.2063A>G, p.Tyr688Cys (NM_001278343.2); c.1439A>G, p.Tyr480Cys (NM_001278344.2); short protein forms Y688C, Y480C.
Identifiers: ClinVar variation 162739 (VCV000162739.19), dbSNP rs145248415, ClinGen allele CA175231.
Genomic context (GRCh38, chr1:236,755,107, plus strand): 5'-CAGGAGCCCTGGAAGACCAGATGAACCAGCTGAAGCAGTATGAGCACAACATCATCAACT[A>G]TAAGAACAACATCGACAAGCTGGAGGGAGACCATCAGCTCATCCAGGAGGCCCTTGTCTT-3'
Protein context (NP_001094.1, residues 678-698): LKQYEHNIIN[Tyr688Cys]KNNIDKLEGD

ClinVar aggregate classification (germline): Uncertain significance. Review status: criteria provided, multiple submitters, no conflicts (2 of 4 stars). 7 submissions from 7 submitters: Uncertain significance (7). Last evaluated 2026-02-02.

Conditions:
Cardiovascular phenotype. Identifiers: MedGen CN230736.
Dilated cardiomyopathy 1AA (CMD1AA). Also called: CARDIOMYOPATHY, DILATED, 1AA, WITH OR WITHOUT LEFT VENTRICULAR NONCOMPACTION; CARDIOMYOPATHY, FAMILIAL HYPERTROPHIC, 23, WITH OR WITHOUT LEFT VENTRICULAR NONCOMPACTION; Cardiomyopathy, dilated, 1AA, with or without LVNC. Identifiers: Orphanet 154, MedGen C2677338, MONDO:0012808, OMIM 612158.
Primary familial hypertrophic cardiomyopathy (HCM). Identifiers: Orphanet 99739, MedGen C0949658, MeSH D024741, MONDO:0024573. Inheritance: Various modes of inheritance.
Cardiomyopathy (CMYO). Also called: Cardiomyopathies. Identifiers: Orphanet 167848, MedGen C0878544, MONDO:0004994, HP:0001638. Inheritance: Various modes of inheritance.

Allele frequency attached by ClinVar (database versions not stated): gnomAD exomes 0.00001; TOPMed 0.00002; gnomAD 0.00003; ESP Exome Variant Server 0.00008.
gnomAD v4.1: 8 of 1,614,082 alleles (0.0005%); highest among the groups gnomAD compares: Middle Eastern, 0.016%; no homozygotes.

Submissions (7):

Labcorp Genetics (formerly Invitae), Labcorp
Classification: Uncertain significance for Primary familial hypertrophic cardiomyopathy; Dilated cardiomyopathy 1AA. Last evaluated: 2026-02-02. Review status: criteria provided, single submitter. Criteria: Invitae Variant Classification Sherloc (09022015). Collection method: clinical testing. Allele origin: germline.
Comment: This sequence change replaces tyrosine, which is neutral and polar, with cysteine, which is neutral and slightly polar, at codon 688 of the ACTN2 protein (p.Tyr688Cys). This variant is present in population databases (rs145248415, gnomAD 0.002%). This variant has not been reported in the literature in individuals affected with ACTN2-related conditions. ClinVar contains an entry for this variant (Variation ID: 162739). Invitae Evidence Modeling of protein sequence and biophysical properties (such as structural, functional, and spatial information, amino acid conservation, physicochemical variation, residue mobility, and thermodynamic stability) has been performed for this missense variant. However, the output from this modeling did not meet the statistical confidence thresholds required to predict the impact of this variant on ACTN2 protein function. In summary, the available evidence is currently insufficient to determine the role of this variant in disease. Therefore, it has been classified as a Variant of Uncertain Significance.

Molecular Diagnostic Laboratory for Inherited Cardiovascular Disease, Montreal Heart Institute
Classification: Uncertain significance for Cardiovascular phenotype. Last evaluated: 2025-04-09. Review status: criteria provided, single submitter. Criteria: ACMG Guidelines, 2015. Collection method: clinical testing. Allele origin: germline. Affected: yes.
Comment: PM2, PP3

Ambry Genetics
Classification: Uncertain significance for Cardiovascular phenotype. Last evaluated: 2024-11-26. Review status: criteria provided, single submitter. Criteria: Ambry Variant Classification Scheme 2023. Collection method: clinical testing. Allele origin: germline.
Comment: The p.Y688C variant (also known as c.2063A>G), located in coding exon 17 of the ACTN2 gene, results from an A to G substitution at nucleotide position 2063. The tyrosine at codon 688 is replaced by cysteine, an amino acid with highly dissimilar properties. This variant has been reported in a hypertrophic cardiomyopathy (HCM) cohort (Bonaventura J et al. J Am Heart Assoc, 2024 May;13:e033565). This amino acid position is highly conserved in available vertebrate species. In addition, this alteration is predicted to be deleterious by in silico analysis. Based on the available evidence, the clinical significance of this variant remains unclear.

Blueprint Genetics
Classification: Uncertain significance. Last evaluated: 2020-11-12. Review status: criteria provided, single submitter. Criteria: ACMG Guidelines, 2015. Collection method: clinical testing. Allele origin: germline.

CHEO Genetics Diagnostic Laboratory, Children's Hospital of Eastern Ontario
Classification: Uncertain significance for Cardiomyopathy. Last evaluated: 2020-08-24. Review status: criteria provided, single submitter. Criteria: ACMG Guidelines, 2015. Collection method: clinical testing. Allele origin: germline.

GeneDx
Classification: Uncertain significance. Last evaluated: 2017-03-23. Review status: criteria provided, single submitter. Criteria: GeneDx Variant Classification (06012015). Collection method: clinical testing. Allele origin: germline. Affected: yes.
Comment: The c.2063A>G variant in the ACTN2 gene has not been reported previously as a pathogenic variant, nor as a benign variant, to our knowledge. The c.2063A>G variant is not observed at a significant frequency in large population cohorts (Lek et al., 2016; 1000 Genomes Consortium et al., 2015; Exome Variant Server). In silico prediction models predict that c.2063A>G may create a cryptic splice donor site upstream of the natural splice donor site in intron 17. However, in the absence of RNA/functional studies, the actual effect of c.2063A>G in this individual is unknown. If c.2063A>G does not alter splicing, then it will result in the Y688C missense change. The Y688C variant is a non-conservative amino acid substitution, which is likely to impact secondary protein structure as these residues differ in polarity, charge, size and/or other properties. This substitution occurs at a position that is conserved across species, and in silico analysis predicts this variant is probably damaging to the protein structure/function. We interpret c.2063A>G as a variant of uncertain significance.

Laboratory for Molecular Medicine, Mass General Brigham Personalized Medicine
Classification: Uncertain significance. Last evaluated: 2013-07-03. Review status: criteria provided, single submitter. Criteria: LMM Criteria. Collection method: clinical testing. Allele origin: germline. Observed: 1 variant allele.
Comment: The Tyr688Cys variant in ACTN2 has not been reported in individuals with cardiom yopathy, but has been identified in 1/8600 European American chromosomes by the NHLBI Exome Sequencing Project (dbSNP rs14524 8415). Computational analyses (biochemical amino acid properties, conservation, splice site tools, AlignGVGD, PolyPhen2, and SIFT) suggest that the Tyr688Cys v ariant may impact the protein, though this information is not predictive enough to determine pathogenicity. Additional information is needed to fully assess the clinical significance of the Tyr688Cys variant.

Literature cited by the submitters: PubMed 38757491 (cited by Ambry Genetics).